The following is an entry in ClinVar:

ClinVar aggregate classification (germline): Pathogenic (1 of 4 stars; one submission).

Conditions:
Dyskeratosis congenita, autosomal recessive 5 (DKCB5). Identifiers: MedGen C3554656, MONDO:0014076, OMIM 615190.
Pulmonary fibrosis and/or bone marrow failure, Telomere-related, 3. Also called: PULMONARY FIBROSIS AND/OR BONE MARROW FAILURE SYNDROME, TELOMERE-RELATED, 3. Identifiers: Orphanet 2032, MedGen C4225346, MONDO:0014613, OMIM 616373.

Submission:

Labcorp Genetics (formerly Invitae), Labcorp
Classification: Pathogenic for Dyskeratosis congenita, autosomal recessive 5; Pulmonary fibrosis and/or bone marrow failure, Telomere-related, 3. Last evaluated: 2024-11-06. Review status: criteria provided, single submitter. Criteria: Invitae Variant Classification Sherloc (09022015). Collection method: clinical testing. Allele origin: germline.
Comment: This sequence change creates a premature translational stop signal (p.Ser155*) in the RTEL1 gene. It is expected to result in an absent or disrupted protein product. Loss-of-function variants in RTEL1 are known to be pathogenic (PMID: 23453664, 23959892, 25607374). This variant is not present in population databases (gnomAD no frequency). This variant has not been reported in the literature in individuals affected with RTEL1-related conditions. For these reasons, this variant has been classified as Pathogenic.

Literature cited by the submitters: PubMed 23453664; PubMed 23959892; PubMed 25607374.

NM_001283009.2(RTEL1):c.463_464del (p.Glu154_Ser155insTer)

Genes: RTEL1 (regulator of telomere elongation helicase 1; plus strand), RTEL1-TNFRSF6B (RTEL1-TNFRSF6B readthrough (NMD candidate); plus strand). Cytogenetic location: 20q13.33.
Variant type: Microsatellite.
Coding change: c.463_464del on transcript NM_001283009.2 (MANE Select); coding-DNA positions 463 to 464, 2 bases deleted (AG; older notation c.463_464delAG).
Protein change: p.Glu154_Ser155insTer.
Molecular consequence: nonsense. On other transcripts: non-coding transcript variant (1), 5 prime UTR variant (1).
Genome position (GRCh38, 1-based): chr20:63,662,613-63,662,614, AG deleted; deleting any 2 consecutive bases within chr20:63,662,609-63,662,614 gives the same sequence; the c. name uses the placement nearest the transcript's 3' end. VCF-style (leftmost placement, unchanged base first): chr20-63662608-AAG-A. GRCh37 (hg19) VCF-style: chr20-62293961-AAG-A.
Other names: c.-211AG[2] (NM_001283010.1); c.463_464del, p.Glu154_Ser155insTer (NM_016434.4); c.535_536del, p.Glu178_Ser179insTer (NM_032957.5).
Identifiers: ClinVar variation 3759726 (VCV003759726.2).